The following is an entry in ClinVar:

ClinVar aggregate classification (germline): Uncertain significance (1 of 4 stars; one submission).

Conditions:
Immunodeficiency 51 (IMD51). Also called: CANDIDIASIS, FAMILIAL, 5. Identifiers: Orphanet 1334, MedGen C4310803, MONDO:0013500, OMIM 613953.

gnomAD v4.1: 9 of 1,586,012 alleles (0.00057%); highest among the groups gnomAD compares: Non-Finnish European, 0.00077%; no homozygotes.

Submission:

Labcorp Genetics (formerly Invitae), Labcorp
Classification: Uncertain significance for Immunodeficiency 51. Last evaluated: 2024-02-24. Review status: criteria provided, single submitter. Criteria: Invitae Variant Classification Sherloc (09022015). Collection method: clinical testing. Allele origin: germline.
Comment: This sequence change replaces proline, which is neutral and non-polar, with arginine, which is basic and polar, at codon 709 of the IL17RA protein (p.Pro709Arg). This variant is present in population databases (no rsID available, gnomAD 0.001%). This variant has not been reported in the literature in individuals affected with IL17RA-related conditions. ClinVar contains an entry for this variant (Variation ID: 1897318). Advanced modeling of protein sequence and biophysical properties (such as structural, functional, and spatial information, amino acid conservation, physicochemical variation, residue mobility, and thermodynamic stability) performed at Invitae indicates that this missense variant is not expected to disrupt IL17RA protein function with a negative predictive value of 80%. In summary, the available evidence is currently insufficient to determine the role of this variant in disease. Therefore, it has been classified as a Variant of Uncertain Significance.

NM_014339.7(IL17RA):c.2126C>G (p.Pro709Arg)

Gene: IL17RA (interleukin 17 receptor A; plus strand). Cytogenetic location: 22q11.1.
Variant type: single nucleotide variant.
Coding change: c.2126C>G on transcript NM_014339.7 (MANE Select); coding-DNA position 2126, C replaced by G.
Protein change: p.Pro709Arg; replaces proline 709 with arginine.
Molecular consequence: missense variant.
Genome position (GRCh38, 1-based): chr22:17,109,345, C>G. VCF-style: chr22-17109345-C-G. GRCh37 (hg19) VCF-style: chr22-17590235-C-G.
Other names: c.2024C>G, p.Pro675Arg (NM_001289905.2); short protein forms P709R, P675R.
Identifiers: ClinVar variation 1897318 (VCV001897318.5), dbSNP rs757383824, ClinGen allele CA410220832.